The following is an entry in ClinVar:

NM_024649.5(BBS1):c.1264G>A (p.Ala422Thr)

Genes: BBS1 (Bardet-Biedl syndrome 1; plus strand), ZDHHC24 (zDHHC palmitoyltransferase 24; minus strand). Cytogenetic location: 11q13.2.
Variant type: single nucleotide variant.
Coding change: c.1264G>A on transcript NM_024649.5 (MANE Select); coding-DNA position 1264, G replaced by A.
Protein change: p.Ala422Thr; replaces alanine 422 with threonine.
Molecular consequence: missense variant. On other transcripts: intron variant (1).
Genome position (GRCh38, 1-based): chr11:66,526,732, G>A. VCF-style: chr11-66526732-G-A. GRCh37 (hg19) VCF-style: chr11-66294203-G-A.
Other names: c.*21+204C>T (NM_001348571.2); short protein forms A422T.
Identifiers: ClinVar variation 853546 (VCV000853546.11), dbSNP rs1346584719, ClinGen allele CA381422714.

ClinVar aggregate classification (germline): Uncertain significance. Review status: criteria provided, single submitter (1 of 4 stars). 2 submissions from 2 submitters: Uncertain significance (1). 1 of the submissions does not count toward it. Last evaluated 2024-12-09.

Conditions:
Bardet-Biedl syndrome (BBS). Identifiers: Orphanet 110, MedGen C0752166, MONDO:0015229.
Bardet-Biedl syndrome 1 (BBS1). Identifiers: MedGen C2936862, MONDO:0008854, OMIM 209900. Disease mechanism: loss of function.

Allele frequency attached by ClinVar (database versions not stated): TOPMed below 0.00001.

Submissions (2):

Labcorp Genetics (formerly Invitae), Labcorp
Classification: Uncertain significance for Bardet-Biedl syndrome. Last evaluated: 2024-12-09. Review status: criteria provided, single submitter. Criteria: Invitae Variant Classification Sherloc (09022015). Collection method: clinical testing. Allele origin: germline.
Comment: This sequence change replaces alanine, which is neutral and non-polar, with threonine, which is neutral and polar, at codon 422 of the BBS1 protein (p.Ala422Thr). This variant is not present in population databases (gnomAD no frequency). This variant has not been reported in the literature in individuals affected with BBS1-related conditions. ClinVar contains an entry for this variant (Variation ID: 853546). Invitae Evidence Modeling of protein sequence and biophysical properties (such as structural, functional, and spatial information, amino acid conservation, physicochemical variation, residue mobility, and thermodynamic stability) indicates that this missense variant is not expected to disrupt BBS1 protein function with a negative predictive value of 95%. In summary, the available evidence is currently insufficient to determine the role of this variant in disease. Therefore, it has been classified as a Variant of Uncertain Significance.

Natera, Inc.
Classification: Uncertain significance for Bardet-Biedl syndrome type 1. Last evaluated: 2020-08-31. Review status: no assertion criteria provided. Collection method: clinical testing. Allele origin: germline. Not counted in ClinVar's aggregate classification.